The following is an entry in ClinVar:

NM_000059.4(BRCA2):c.8427C>G (p.Phe2809Leu)

Gene: BRCA2 (BRCA2 DNA repair associated; plus strand). Cytogenetic location: 13q13.1.
Variant type: single nucleotide variant.
Coding change: c.8427C>G on transcript NM_000059.4 (MANE Select); coding-DNA position 8427, C replaced by G.
Protein change: p.Phe2809Leu; replaces phenylalanine 2809 with leucine.
Molecular consequence: missense variant. On other transcripts: non-coding transcript variant (1).
Genome position (GRCh38, 1-based): chr13:32,370,497, C>G. VCF-style: chr13-32370497-C-G. GRCh37 (hg19) VCF-style: chr13-32944634-C-G.
Other names: c.8331C>G, p.Phe2777Leu (NM_001406719.1); c.8427C>G, p.Phe2809Leu (NM_001406720.1); c.3495C>G, p.Phe1165Leu (NM_001406721.1); c.2010C>G, p.Phe670Leu (NM_001406722.1); short protein forms F1165L, F2809L, F2777L, F670L.
Identifiers: ClinVar variation 2733463 (VCV002733463.3), dbSNP rs786202966, ClinGen allele CA387752538.

ClinVar aggregate classification (germline): Uncertain significance (1 of 4 stars; one submission).

Conditions:
Hereditary breast ovarian cancer syndrome. Also called: BRCA1- and BRCA2-Associated Hereditary Breast and Ovarian Cancer; Hereditary breast and/or ovarian cancer syndrome; Hereditary breast and ovarian cancer; Hereditary breast and ovarian cancer syndrome (HBOC); Breast and ovarian cancer; Hereditary breast and ovarian cancer syndrome. Identifiers: Orphanet 145, MedGen C0677776, MeSH D061325, MONDO:0003582. Disease mechanism: loss of function.

Submission:

Labcorp Genetics (formerly Invitae), Labcorp
Classification: Uncertain significance for Hereditary breast ovarian cancer syndrome. Last evaluated: 2023-10-15. Review status: criteria provided, single submitter. Criteria: Invitae Variant Classification Sherloc (09022015). Collection method: clinical testing. Allele origin: germline.
Comment: This sequence change replaces phenylalanine, which is neutral and non-polar, with leucine, which is neutral and non-polar, at codon 2809 of the BRCA2 protein (p.Phe2809Leu). This variant is not present in population databases (gnomAD no frequency). This missense change has been observed in individual(s) with BRCA2-related conditions (PMID: 34326862). Advanced modeling of protein sequence and biophysical properties (such as structural, functional, and spatial information, amino acid conservation, physicochemical variation, residue mobility, and thermodynamic stability) performed at Invitae indicates that this missense variant is not expected to disrupt BRCA2 protein function. In summary, the available evidence is currently insufficient to determine the role of this variant in disease. Therefore, it has been classified as a Variant of Uncertain Significance.

Literature cited by the submitters: PubMed 34326862.